The following is an entry in ClinVar:

NM_000059.4(BRCA2):c.9648+10T>G

Gene: BRCA2 (BRCA2 DNA repair associated; plus strand). Cytogenetic location: 13q13.1.
Variant type: single nucleotide variant.
Coding change: c.9648+10T>G on transcript NM_000059.4 (MANE Select); 10 bases into the intron after coding-DNA position 9648, T replaced by G.
Molecular consequence: intron variant.
Genome position (GRCh38, 1-based): chr13:32,397,054, T>G. VCF-style: chr13-32397054-T-G. GRCh37 (hg19) VCF-style: chr13-32971191-T-G.
Other names: IVS26+10T>G.
Identifiers: ClinVar variation 52880 (VCV000052880.14), dbSNP rs81002835, ClinGen allele CA026247.

ClinVar aggregate classification (germline): Conflicting classifications of pathogenicity. Review status: criteria provided, conflicting classifications (1 of 4 stars). 6 submissions from 6 submitters: Uncertain significance (3); Likely benign (2). 1 of the submissions does not count toward it. Last evaluated 2026-01-18.

Conditions:
Hereditary breast ovarian cancer syndrome. Also called: Hereditary breast and ovarian cancer syndrome; Hereditary breast and ovarian cancer; Hereditary breast and ovarian cancer syndrome (HBOC); Breast and ovarian cancer; Hereditary breast and/or ovarian cancer syndrome; BRCA1- and BRCA2-Associated Hereditary Breast and Ovarian Cancer. Identifiers: Orphanet 145, MedGen C0677776, MeSH D061325, MONDO:0003582. Disease mechanism: loss of function.
Familial cancer of breast. Also called: BREAST CANCER, FAMILIAL; Hereditary breast cancer; hereditary breast carcinoma. Identifiers: Orphanet 227535, MedGen C0346153, MONDO:0016419, OMIM 114480. Disease mechanism: loss of function.
Breast-ovarian cancer, familial, susceptibility to, 2 (BROVCA2). Also called: BRCA2 Hereditary Breast and Ovarian Cancer. Identifiers: Orphanet 145, MedGen C2675520, MONDO:0012933, OMIM 612555. Disease mechanism: loss of function.

Allele frequency attached by ClinVar (database versions not stated): gnomAD 0.00002 and 0.00004; TOPMed 0.00002.
gnomAD v4.1: 5 of 1,612,674 alleles (0.00031%); highest among the groups gnomAD compares: African/African-American, 0.0067%; no homozygotes.

Submissions (6):

Labcorp Genetics (formerly Invitae), Labcorp
Classification: Likely benign for Hereditary breast ovarian cancer syndrome. Last evaluated: 2026-01-18. Review status: criteria provided, single submitter. Criteria: Invitae Variant Classification Sherloc (09022015). Collection method: clinical testing. Allele origin: germline.

Women's Health and Genetics/Laboratory Corporation of America, LabCorp
Classification: Uncertain significance. Last evaluated: 2025-12-04. Review status: criteria provided, single submitter. Criteria: LabCorp Variant Classification Summary - May 2015. Collection method: clinical testing. Allele origin: germline.
Comment: Variant summary: BRCA2 c.9648+10T>G alters a nucleotide located at a position not widely known to affect splicing and therefore could affect mRNA splicing, leading to a significantly altered protein sequence. However, the variant is located in the last intron in the gene. Several computational tools predict a significant impact on normal splicing: Three predict the variant creates a 5' donor site. However, these predictions have yet to be confirmed by functional studies. The variant allele was found at a frequency of 4e-06 in 251280 control chromosomes (gnomAD). The available data on variant occurrences in the general population are insufficient to allow any conclusion about variant significance. To our knowledge, no occurrence of c.9648+10T>G in individuals affected with BRCA2-related conditions and no experimental evidence demonstrating its impact on protein function have been reported. One co-occurrence with another pathogenic variant has been reported (BRCA1 c.4611_4612insG, p.Gln1538Alafs*36), providing supporting evidence for a benign role. ClinVar contains an entry for this variant (Variation ID: 52880). Based on the evidence outlined above, the variant was classified as VUS-possibly benign.

Quest Diagnostics Nichols Institute San Juan Capistrano
Classification: Uncertain significance. Last evaluated: 2024-05-09. Review status: criteria provided, single submitter. Criteria: Quest Diagnostics criteria. Collection method: clinical testing. Allele origin: unknown.
Comment: The BRCA2 c.9648+10T>G variant has been reported in the published literature in an individual with breast cancer (PMID: 12491487 (2003)). The frequency of this variant in the general population, 0.0000071 (2/282684 chromosomes (Genome Aggregation Database)), is uninformative in the assessment of its pathogenicity. Analysis of this variant using software algorithms for the prediction of the effect of nucleotide changes on BRCA2 mRNA splicing yielded predictions that this variant may result in the gain of a cryptic splice site without affecting the natural splice sites. Based on the available information, we are unable to determine the clinical significance of this variant.

Baylor Genetics
Classification: Uncertain significance for Familial cancer of breast. Last evaluated: 2024-02-08. Review status: criteria provided, single submitter. Criteria: ACMG Guidelines, 2015. Collection method: clinical testing. Allele origin: unknown.

Myriad Genetics, Inc.
Classification: Likely benign for Breast-ovarian cancer, familial, susceptibility to, 2. Last evaluated: 2023-03-10. Review status: criteria provided, single submitter. Criteria: Myriad Autosomal Dominant, Autosomal Recessive and X-Linked Classification Criteria (2023). Collection method: clinical testing. Allele origin: unknown.
Comment: This variant is considered likely benign. This variant is strongly associated with less severe personal and family histories of cancer, typical for individuals without pathogenic variants in this gene [PMID: 25085752].

Breast Cancer Information Core (BIC) (BRCA2)
Classification: Uncertain significance for Breast-ovarian cancer, familial 2. Last evaluated: 2010-03-10. Review status: no assertion criteria provided. Collection method: clinical testing. Allele origin: germline. Affected: yes. Observed: 2 variant alleles. Not counted in ClinVar's aggregate classification.

Literature cited by the submitters: PubMed 12491487 (cited by Women's Health and Genetics/Laboratory Corporation of America, LabCorp and Quest Diagnostics Nichols Institute San Juan Capistrano); PubMed 25085752 (cited by Myriad Genetics, Inc.).